The following is an entry in ClinVar:

ClinVar aggregate classification (germline): Pathogenic. Review status: reviewed by expert panel (3 of 4 stars). 6 submissions from 6 submitters: Pathogenic (1). 5 of the submissions do not count toward it. Last evaluated 2016-10-18.

Conditions:
Hereditary breast ovarian cancer syndrome. Also called: Hereditary breast and ovarian cancer syndrome; Hereditary breast and ovarian cancer; Hereditary breast and ovarian cancer syndrome (HBOC); Breast and ovarian cancer; Hereditary breast and/or ovarian cancer syndrome; BRCA1- and BRCA2-Associated Hereditary Breast and Ovarian Cancer. Identifiers: Orphanet 145, MedGen C0677776, MeSH D061325, MONDO:0003582. Disease mechanism: loss of function.
Breast-ovarian cancer, familial, susceptibility to, 2 (BROVCA2). Also called: BRCA2 Hereditary Breast and Ovarian Cancer. Identifiers: Orphanet 145, MedGen C2675520, MONDO:0012933, OMIM 612555. Disease mechanism: loss of function.

Submissions (6):

Evidence-based Network for the Interpretation of Germline Mutant Alleles (ENIGMA)
Classification: Pathogenic for Breast-ovarian cancer, familial, susceptibility to, 2. Last evaluated: 2016-10-18. Review status: reviewed by expert panel. Criteria: ENIGMA BRCA1/2 Classification Criteria (2015). Collection method: curation. Allele origin: germline.
Comment: Variant allele predicted to encode a truncated non-functional protein.

Center for Genomic Medicine, Rigshospitalet, Copenhagen University Hospital
Classification: Pathogenic. Last evaluated: 2025-03-04. Review status: criteria provided, single submitter. Criteria: ACMG Guidelines, 2015. Collection method: clinical testing. Allele origin: germline. Not counted in ClinVar's aggregate classification.

Department of Clinical Genetics, Copenhagen University Hospital, Rigshospitalet
Classification: Pathogenic for Breast-ovarian cancer, familial, susceptibility to, 2. Last evaluated: 2024-05-27. Review status: criteria provided, single submitter. Criteria: ACMG Guidelines, 2015. Collection method: clinical testing. Allele origin: germline. Affected: yes. Not counted in ClinVar's aggregate classification.
Comment: PVS1; PM2_Supporting; Expert panel

Laboratory for Molecular Medicine, Mass General Brigham Personalized Medicine
Classification: Pathogenic for Hereditary breast ovarian cancer syndrome. Last evaluated: 2020-06-19. Review status: criteria provided, single submitter. Criteria: ACMG Guidelines, 2015. Collection method: clinical testing. Allele origin: germline. Not counted in ClinVar's aggregate classification.
Comment: The p.Asn2910LysfsX17 variant in BRCA2 has been identified in 2 individuals with breast cancer (Borg 2010 PubMed: 20104584, Rebbeck 2018 PubMed: 29446198) and was absent from large population studies. This variant is predicted to cause a frameshift, which alters the protein’s amino acid sequence beginning at position 2910 and leads to a premature termination codon 17 amino acids downstream. This alteration is then predicted to lead to a truncated or absent protein. Loss of function of the BRCA2 gene is an established disease mechanism in autosomal dominant HBOC. Additionally, this variant was classified as pathogenic on October 18, 2016 by the ClinGen-approved ENIGMA expert panel (ClinVar SCV000324690.1). In summary, this variant meets criteria to be classified as pathogenic for autosomal dominant HBOC. ACMG/AMP Criteria applied: PVS1, PM2, PS4_Supporting.

Consortium of Investigators of Modifiers of BRCA1/2 (CIMBA), c/o University of Cambridge
Classification: Pathogenic for Breast-ovarian cancer, familial, susceptibility to, 2. Last evaluated: 2015-10-02. Review status: criteria provided, single submitter. Criteria: CIMBA Mutation Classification guidelines May 2016. Collection method: clinical testing. Allele origin: germline. Not counted in ClinVar's aggregate classification.

BRCAlab, Lund University
Classification: Pathogenic for Breast-ovarian cancer, familial, susceptibility to, 2. Last evaluated: 2020-03-02. Review status: no assertion criteria provided. Collection method: clinical testing. Allele origin: germline. Affected: yes. Not counted in ClinVar's aggregate classification.

NM_000059.4(BRCA2):c.8730del (p.Asn2910fs)

Gene: BRCA2 (BRCA2 DNA repair associated; plus strand). Cytogenetic location: 13q13.1.
Variant type: Deletion.
Coding change: c.8730del on transcript NM_000059.4 (MANE Select); coding-DNA position 8730, one base deleted (T; older notation c.8730delT).
Protein change: p.Asn2910fs; shifts the reading frame from asparagine 2910.
Molecular consequence: frameshift variant.
Genome position (GRCh38, 1-based): chr13:32,376,767, T deleted. VCF-style (leftmost placement, unchanged base first): chr13-32376766-AT-A. GRCh37 (hg19) VCF-style: chr13-32950903-AT-A.
Other names: 8958delT; c.8730delT (NM_000059.3).
Identifiers: ClinVar variation 52663 (VCV000052663.11), dbSNP rs397508004, ClinGen allele CA025795.